The following is an entry in ClinVar:

ClinVar aggregate classification (germline): Uncertain significance (1 of 4 stars; one submission).

Conditions:
Cardiovascular phenotype. Identifiers: MedGen CN230736.

Allele frequency attached by ClinVar (database versions not stated): gnomAD 0.00001; TOPMed 0.00001.
gnomAD v4.1: 5 of 1,614,136 alleles (0.00031%); highest among the groups gnomAD compares: Non-Finnish European, 0.00042%; no homozygotes.

Submission:

Ambry Genetics
Classification: Uncertain significance for Cardiovascular phenotype. Last evaluated: 2022-08-10. Review status: criteria provided, single submitter. Criteria: Ambry Variant Classification Scheme 2023. Collection method: clinical testing. Allele origin: germline.
Comment: The p.V163M variant (also known as c.487G>A), located in coding exon 4 of the ABCG8 gene, results from a G to A substitution at nucleotide position 487. The valine at codon 163 is replaced by methionine, an amino acid with highly similar properties. This amino acid position is conserved. In addition, this alteration is predicted to be deleterious by in silico analysis. Since supporting evidence is limited at this time, the clinical significance of this alteration remains unclear.

NM_022437.3(ABCG8):c.487G>A (p.Val163Met)

Gene: ABCG8 (ATP binding cassette subfamily G member 8; plus strand). Cytogenetic location: 2p21.
Variant type: single nucleotide variant.
Coding change: c.487G>A on transcript NM_022437.3 (MANE Select); coding-DNA position 487, G replaced by A.
Protein change: p.Val163Met; replaces valine 163 with methionine.
Molecular consequence: missense variant.
Genome position (GRCh38, 1-based): chr2:43,851,748, G>A. VCF-style: chr2-43851748-G-A. GRCh37 (hg19) VCF-style: chr2-44078887-G-A.
Other names: c.487G>A, p.Val163Met (NM_001357321.2); short protein forms V163M.
Identifiers: ClinVar variation 1743772 (VCV001743772.2), dbSNP rs1294106449, ClinGen allele CA346665474.
Genomic context (GRCh38, chr2:43,851,748, plus strand): 5'-CTGGTGAGGAAGTGTGTGGCCCACGTGCGCCAGCACAACCAGCTGCTCCCCAACTTGACT[G>A]TGCGAGAGACCTTGGCCTTCATTGCCCAGATGCGGCTGCCCAGAACCTTCTCCCAGGCCC-3'
Protein context (NP_071882.1, residues 153-173): QHNQLLPNLT[Val163Met]RETLAFIAQM